The following is an entry in ClinVar:

ClinVar aggregate classification (germline): Uncertain significance. Review status: criteria provided, multiple submitters, no conflicts (2 of 4 stars). 2 submissions from 2 submitters: Uncertain significance (2). Last evaluated 2021-11-25.

Conditions:
Inborn genetic diseases. Identifiers: MedGen C0950123, MeSH D030342.

Allele frequency attached by ClinVar (database versions not stated): gnomAD exomes 0.00001.
gnomAD v4.1: 11 of 1,614,214 alleles (0.00068%); highest among the groups gnomAD compares: Non-Finnish European, 0.00085%; no homozygotes.

Submissions (2):

Laboratorio de Genetica e Diagnostico Molecular, Hospital Israelita Albert Einstein
Classification: Uncertain significance. Last evaluated: 2021-11-25. Review status: criteria provided, single submitter. Criteria: ACMG Guidelines, 2015. Collection method: clinical testing. Allele origin: germline. Affected: yes.
Comment: ACMG classification criteria: PM2, BP4

Ambry Genetics
Classification: Uncertain significance for Inborn genetic diseases. Last evaluated: 2021-08-02. Review status: criteria provided, single submitter. Criteria: Ambry Variant Classification Scheme 2023. Collection method: clinical testing. Allele origin: germline.

NM_001378418.1(TCF20):c.3677C>G (p.Ala1226Gly)

Gene: TCF20 (transcription factor 20; minus strand). Cytogenetic location: 22q13.2.
Variant type: single nucleotide variant.
Coding change: c.3677C>G on transcript NM_001378418.1 (MANE Select); coding-DNA position 3677, C replaced by G.
Protein change: p.Ala1226Gly; replaces alanine 1226 with glycine.
Molecular consequence: missense variant.
Genome position (GRCh38, 1-based): chr22:42,211,629, G>C on the plus strand (C>G on the coding strand, the complement: TCF20 is on the minus strand). VCF-style: chr22-42211629-G-C. GRCh37 (hg19) VCF-style: chr22-42607635-G-C.
Other names: c.3677C>G, p.Ala1226Gly (NM_005650.4, NM_181492.3); c.3677C>G (NM_005650.1); short protein forms A1226G.
Identifiers: ClinVar variation 1690499 (VCV001690499.5), dbSNP rs1269982549, ClinGen allele CA411785967.